The following is an entry in ClinVar:

ClinVar aggregate classification (germline): Uncertain significance. Review status: criteria provided, multiple submitters, no conflicts (2 of 4 stars). 2 submissions from 2 submitters: Uncertain significance (2). Last evaluated 2024-02-01.

Allele frequency attached by ClinVar (database versions not stated): gnomAD exomes below 0.00001 and 0.00001; gnomAD 0.00001; TOPMed 0.00002.
gnomAD v4.1: 7 of 1,613,470 alleles (0.00043%); highest among the groups gnomAD compares: African/African-American, 0.004%; no homozygotes.

Submissions (2):

Blueprint Genetics
Classification: Uncertain significance. Last evaluated: 2024-02-01. Review status: criteria provided, single submitter. Criteria: ACMG Guidelines, 2015. Collection method: clinical testing. Allele origin: germline.

GeneDx
Classification: Uncertain significance. Last evaluated: 2017-09-25. Review status: criteria provided, single submitter. Criteria: GeneDx Variant Classification (06012015). Collection method: clinical testing. Allele origin: germline. Affected: yes.
Comment: The A2472V variant has not been published as a pathogenic variant, nor has it been reported as a benign variant to our knowledge. The A2472V variant is not observed at a significant frequency in large population cohorts (Lek et al., 2016). Most reported pathogenic variants in the PLEC gene are truncating/loss-of-function. This variant is a conservative amino acid substitution, which is not likely to impact secondary protein structure as these residues share similar properties. However, this substitution occurs at a position that is conserved across species, and in silico analysis predicts this variant is probably damaging to the protein structure/function.

NM_201384.3(PLEC):c.7334C>T (p.Ala2445Val)

Gene: PLEC (plectin; minus strand). Cytogenetic location: 8q24.3.
Variant type: single nucleotide variant.
Coding change: c.7334C>T on transcript NM_201384.3 (MANE Select); coding-DNA position 7334, C replaced by T.
Protein change: p.Ala2445Val; replaces alanine 2445 with valine.
Molecular consequence: missense variant.
Genome position (GRCh38, 1-based): chr8:143,922,595, G>A on the plus strand (C>T on the coding strand, the complement: PLEC is on the minus strand). VCF-style: chr8-143922595-G-A. GRCh37 (hg19) VCF-style: chr8-144996763-G-A.
Other names: c.7415C>T, p.Ala2472Val (NM_000445.5); c.7292C>T, p.Ala2431Val (NM_201378.4); c.7268C>T, p.Ala2423Val (NM_201379.3); c.7745C>T, p.Ala2582Val (NM_201380.4); c.7238C>T, p.Ala2413Val (NM_201381.3); c.7334C>T, p.Ala2445Val (NM_201382.4); c.7346C>T, p.Ala2449Val (NM_201383.3); short protein forms A2413V, A2423V, A2431V, A2445V, A2449V, A2472V, A2582V.
Identifiers: ClinVar variation 452298 (VCV000452298.3), dbSNP rs1020001131, ClinGen allele CA187613266.